The following is an entry in ClinVar:

ClinVar aggregate classification (germline): Benign (0 of 4 stars; one submission).

Conditions:
FSIP2-related disorder. Also called: FSIP2-related condition.

Allele frequency attached by ClinVar (database versions not stated): TOPMed 0.53200; 1000 Genomes Project 30x 0.53904; 1000 Genomes Project 0.54034; gnomAD 0.54459; ExAC 0.58441.
gnomAD v4.1: 810,635 of 1,501,810 alleles (54%); highest among the groups gnomAD compares: South Asian, 64%; 221,322 homozygotes.

Submission:

PreventionGenetics, part of Exact Sciences
Classification: Benign for FSIP2-related condition. Last evaluated: 2019-10-17. Review status: no assertion criteria provided. Collection method: clinical testing. Allele origin: germline.
Comment: This variant is classified as benign based on ACMG/AMP sequence variant interpretation guidelines (Richards et al. 2015 PMID: 25741868, with internal and published modifications).

NM_173651.4(FSIP2):c.1274T>C (p.Ile425Thr)

Gene: FSIP2 (fibrous sheath interacting protein 2; plus strand). Cytogenetic location: 2q32.1.
Variant type: single nucleotide variant.
Coding change: c.1274T>C on transcript NM_173651.4 (MANE Select); coding-DNA position 1274, T replaced by C.
Protein change: p.Ile425Thr; replaces isoleucine 425 with threonine.
Molecular consequence: missense variant.
Genome position (GRCh38, 1-based): chr2:185,763,216, T>C. VCF-style: chr2-185763216-T-C. GRCh37 (hg19) VCF-style: chr2-186627943-T-C.
Other names: short protein forms I425T.
Identifiers: ClinVar variation 3059353 (VCV003059353.2), dbSNP rs17228441, ClinGen allele CA2016513.